The following is an entry in ClinVar:

ClinVar aggregate classification (germline): Likely pathogenic (1 of 4 stars; one submission).

Conditions:
Mucopolysaccharidosis, MPS-II (MPS2). Also called: Hunter Syndrome; IDURONATE 2-SULFATASE DEFICIENCY; Mucopolysaccharidosis Type II; Mucopolysaccharidosis type 2; Attenuated MPS (subtype; formerly known as mild MPS II); Severe MPS II. Identifiers: Orphanet 580, Orphanet 79388, MedGen C0026705, MONDO:0010674, OMIM 309900.

Submission:

Laboratory of Diagnosis and Therapy of Lysosomal Disorders, University of Padova
Classification: Likely pathogenic for Mucopolysaccharidosis, MPS-II. Last evaluated: 2024-06-07. Review status: criteria provided, single submitter. Criteria: ACMG Guidelines, 2015. Collection method: literature only. Allele origin: germline. Affected: yes. Observed: 2 variant alleles.
Comment: Absent from controls (or at low frequency) in gnomAD database (PM2_Moderate), Missense variant in a gene with a low rate of benign missense variation (PP2_Supporting), Multiple lines of computational evidence support a deleterious effect (PP3_Supporting), Patient’s phenotype or family history highly specific for the disease (PP4_Strong)

Classification method: ACMG Guidelines [PMID:25741868] with modifications

Literature cited by the submitters: PubMed 34630504; PubMed 33960103.

NM_000202.8(IDS):c.484T>C (p.Ser162Pro)

Genes: IDS (iduronate 2-sulfatase; minus strand), LOC106050102 (IDS recombination region; plus strand). Cytogenetic location: Xq28.
Variant type: single nucleotide variant.
Coding change: c.484T>C on transcript NM_000202.8 (MANE Select); coding-DNA position 484, T replaced by C.
Protein change: p.Ser162Pro; replaces serine 162 with proline.
Molecular consequence: missense variant. On other transcripts: non-coding transcript variant (1).
Genome position (GRCh38, 1-based): chrX:149,500,972, A>G on the plus strand (T>C on the coding strand, the complement: IDS is on the minus strand). VCF-style: chrX-149500972-A-G. GRCh37 (hg19) VCF-style: chrX-148582503-A-G.
Other names: c.214T>C, p.Ser72Pro (NM_001166550.4); c.484T>C, p.Ser162Pro (NM_006123.5); short protein forms S162P, S72P.
Identifiers: ClinVar variation 3255752 (VCV003255752.2).